The following is an entry in ClinVar:

NM_015346.4(ZFYVE26):c.6628C>G (p.Pro2210Ala)

Gene: ZFYVE26 (zinc finger FYVE-type containing 26; minus strand). Cytogenetic location: 14q24.1.
Variant type: single nucleotide variant.
Coding change: c.6628C>G on transcript NM_015346.4 (MANE Select); coding-DNA position 6628, C replaced by G.
Protein change: p.Pro2210Ala; replaces proline 2210 with alanine.
Molecular consequence: missense variant.
Genome position (GRCh38, 1-based): chr14:67,756,106, G>C on the plus strand (C>G on the coding strand, the complement: ZFYVE26 is on the minus strand). VCF-style: chr14-67756106-G-C. GRCh37 (hg19) VCF-style: chr14-68222823-G-C.
Other names: short protein forms P2210A.
Identifiers: ClinVar variation 3907979 (VCV003907979.1).

ClinVar aggregate classification (germline): Uncertain significance (1 of 4 stars; one submission).

gnomAD v4.1: 1 of 1,614,176 alleles (0.000062%); highest among the groups gnomAD compares: Admixed American, 0.0017%; no homozygotes.

Submission:

GeneDx
Classification: Uncertain significance. Last evaluated: 2024-12-23. Review status: criteria provided, single submitter. Criteria: GeneDx Variant Classification Process June 2021. Collection method: clinical testing. Allele origin: germline. Affected: yes.
Comment: Not observed at significant frequency in large population cohorts (gnomAD); In silico analysis supports that this missense variant has a deleterious effect on protein structure/function; Has not been previously published as pathogenic or benign to our knowledge